The following is an entry in ClinVar:

ClinVar aggregate classification (germline): Uncertain significance (1 of 4 stars; one submission).

gnomAD v4.1: 3 of 1,614,070 alleles (0.00019%); highest among the groups gnomAD compares: African/African-American, 0.004%; no homozygotes.

Submission:

Labcorp Genetics (formerly Invitae), Labcorp
Classification: Uncertain significance. Last evaluated: 2024-06-20. Review status: criteria provided, single submitter. Criteria: Invitae Variant Classification Sherloc (09022015). Collection method: clinical testing. Allele origin: germline.
Comment: This sequence change replaces valine, which is neutral and non-polar, with leucine, which is neutral and non-polar, at codon 587 of the MYH3 protein (p.Val587Leu). This variant is not present in population databases (gnomAD no frequency). This variant has not been reported in the literature in individuals affected with MYH3-related conditions. Advanced modeling of protein sequence and biophysical properties (such as structural, functional, and spatial information, amino acid conservation, physicochemical variation, residue mobility, and thermodynamic stability) has been performed at Invitae for this missense variant, however the output from this modeling did not meet the statistical confidence thresholds required to predict the impact of this variant on MYH3 protein function. In summary, the available evidence is currently insufficient to determine the role of this variant in disease. Therefore, it has been classified as a Variant of Uncertain Significance.

NM_002470.4(MYH3):c.1759G>C (p.Val587Leu)

Gene: MYH3 (myosin heavy chain 3; minus strand). Cytogenetic location: 17p13.1.
Variant type: single nucleotide variant.
Coding change: c.1759G>C on transcript NM_002470.4 (MANE Select); coding-DNA position 1759, G replaced by C.
Protein change: p.Val587Leu; replaces valine 587 with leucine.
Molecular consequence: missense variant.
Genome position (GRCh38, 1-based): chr17:10,642,546, C>G on the plus strand (G>C on the coding strand, the complement: MYH3 is on the minus strand). VCF-style: chr17-10642546-C-G. GRCh37 (hg19) VCF-style: chr17-10545863-C-G.
Other names: short protein forms V587L.
Identifiers: ClinVar variation 2903148 (VCV002903148.3), dbSNP rs765585804, ClinGen allele CA287787840.